The following is an entry in ClinVar:

ClinVar aggregate classification (germline): Conflicting classifications of pathogenicity. Review status: criteria provided, conflicting classifications (1 of 4 stars). 3 submissions from 3 submitters: Uncertain significance (2); Likely benign (1). Last evaluated 2025-11-28.

Conditions:
Familial thoracic aortic aneurysm and aortic dissection (TAAD). Also called: Thoracic aortic aneurysms and dissections. Identifiers: Orphanet 91387, MedGen C4707243, MONDO:0019625.

Allele frequency attached by ClinVar (database versions not stated): gnomAD exomes below 0.00001 and 0.00003; gnomAD 0.00001; TOPMed 0.00001; ExAC 0.00003; 1000 Genomes Project 30x 0.00016.

Submissions (3):

Labcorp Genetics (formerly Invitae), Labcorp
Classification: Uncertain significance for Familial thoracic aortic aneurysm and aortic dissection. Last evaluated: 2025-11-28. Review status: criteria provided, single submitter. Criteria: Invitae Variant Classification Sherloc (09022015). Collection method: clinical testing. Allele origin: germline.
Comment: This sequence change falls in intron 3 of the SMAD3 gene. It does not directly change the encoded amino acid sequence of the SMAD3 protein. This variant is present in population databases (rs752716057, gnomAD 0.01%). This variant has not been reported in the literature in individuals affected with SMAD3-related conditions. ClinVar contains an entry for this variant (Variation ID: 920220). Algorithms developed to predict the effect of sequence changes on RNA splicing suggest that this variant may disrupt the consensus splice site. In summary, the available evidence is currently insufficient to determine the role of this variant in disease. Therefore, it has been classified as a Variant of Uncertain Significance.

GeneDx
Classification: Uncertain significance. Last evaluated: 2024-01-11. Review status: criteria provided, single submitter. Criteria: GeneDx Variant Classification Process June 2021. Collection method: clinical testing. Allele origin: germline. Affected: yes.
Comment: Has not been previously published as pathogenic or benign to our knowledge; Not observed at a significant frequency in large population cohorts (gnomAD); In silico analysis is inconclusive as to whether the variant alters gene splicing. In the absence of RNA/functional studies, the actual effect of this sequence change is unknown.

Color Diagnostics, LLC DBA Color Health
Classification: Likely benign for Familial thoracic aortic aneurysm and aortic dissection. Last evaluated: 2019-04-28. Review status: criteria provided, single submitter. Criteria: ACMG Guidelines, 2015. Collection method: clinical testing. Allele origin: germline.

NM_005902.4(SMAD3):c.533-13_533-10del

Gene: SMAD3 (SMAD family member 3; plus strand). Cytogenetic location: 15q22.33.
Variant type: Deletion.
Coding change: c.533-13_533-10del on transcript NM_005902.4 (MANE Select); 13 bases into the intron before coding-DNA position 533 through 10 bases into the intron before coding-DNA position 533, 4 bases deleted (TTCT; older notation c.533-13_533-10delTTCT).
Molecular consequence: intron variant.
Genome position (GRCh38, 1-based): chr15:67,166,766-67,166,769, TTCT deleted. VCF-style (leftmost placement, unchanged base first): chr15-67166765-CTTCT-C. GRCh37 (hg19) VCF-style: chr15-67459103-CTTCT-C.
Other names: c.218-13_218-10del (NM_001145102.2); c.401-13_401-10del (NM_001145103.2); c.-53-13_-53-10del (NM_001145104.2).
Identifiers: ClinVar variation 920220 (VCV000920220.14), dbSNP rs752716057, ClinGen allele CA062365.